The following is an entry in ClinVar:

NM_013275.6(ANKRD11):c.2882G>T (p.Arg961Leu)

Gene: ANKRD11 (ankyrin repeat domain 11; minus strand). Cytogenetic location: 16q24.3.
Variant type: single nucleotide variant.
Coding change: c.2882G>T on transcript NM_013275.6 (MANE Select); coding-DNA position 2882, G replaced by T.
Protein change: p.Arg961Leu; replaces arginine 961 with leucine.
Molecular consequence: missense variant.
Genome position (GRCh38, 1-based): chr16:89,283,660, C>A on the plus strand (G>T on the coding strand, the complement: ANKRD11 is on the minus strand). VCF-style: chr16-89283660-C-A. GRCh37 (hg19) VCF-style: chr16-89350068-C-A.
Other names: c.2882G>T, p.Arg961Leu (NM_001256182.2, NM_001256183.2); short protein forms R961L.
Identifiers: ClinVar variation 2621964 (VCV002621964.4), dbSNP rs750887042, ClinGen allele CA286518782.

ClinVar aggregate classification (germline): Uncertain significance. Review status: criteria provided, multiple submitters, no conflicts (2 of 4 stars). 2 submissions from 2 submitters: Uncertain significance (2). Last evaluated 2025-12-08.

Conditions:
KBG syndrome (KBGS). Also called: ANKRD11-Related KBG Syndrome. Identifiers: Orphanet 2332, MedGen C0220687, MONDO:0007846, OMIM 148050.
Inborn genetic diseases. Identifiers: MedGen C0950123, MeSH D030342.

gnomAD v4.1: 22 of 1,611,662 alleles (0.0014%); highest among the groups gnomAD compares: Middle Eastern, 0.082%; no homozygotes.

Submissions (2):

Labcorp Genetics (formerly Invitae), Labcorp
Classification: Uncertain significance for KBG syndrome. Last evaluated: 2025-12-08. Review status: criteria provided, single submitter. Criteria: Invitae Variant Classification Sherloc (09022015). Collection method: clinical testing. Allele origin: germline.
Comment: This sequence change replaces arginine, which is basic and polar, with leucine, which is neutral and non-polar, at codon 961 of the ANKRD11 protein (p.Arg961Leu). The frequency data for this variant in the population databases is considered unreliable, as metrics indicate poor data quality at this position in the gnomAD database. This variant has not been reported in the literature in individuals affected with ANKRD11-related conditions. ClinVar contains an entry for this variant (Variation ID: 2621964). Invitae Evidence Modeling of protein sequence and biophysical properties (such as structural, functional, and spatial information, amino acid conservation, physicochemical variation, residue mobility, and thermodynamic stability) indicates that this missense variant is not expected to disrupt ANKRD11 protein function with a negative predictive value of 95%. In summary, the available evidence is currently insufficient to determine the role of this variant in disease. Therefore, it has been classified as a Variant of Uncertain Significance.

Ambry Genetics
Classification: Uncertain significance for Inborn genetic diseases. Last evaluated: 2025-10-02. Review status: criteria provided, single submitter. Criteria: Ambry Variant Classification Scheme 2023. Collection method: clinical testing. Allele origin: germline.